The following is an entry in ClinVar:

ClinVar aggregate classification (germline): Uncertain significance (1 of 4 stars; one submission).

gnomAD v4.1: 11 of 1,614,156 alleles (0.00068%); highest among the groups gnomAD compares: Non-Finnish European, 0.00093%; no homozygotes.

Submission:

Labcorp Genetics (formerly Invitae), Labcorp
Classification: Uncertain significance. Last evaluated: 2024-07-06. Review status: criteria provided, single submitter. Criteria: Invitae Variant Classification Sherloc (09022015). Collection method: clinical testing. Allele origin: germline.
Comment: This sequence change replaces histidine, which is basic and polar, with leucine, which is neutral and non-polar, at codon 365 of the ANKZF1 protein (p.His365Leu). This variant is not present in population databases (gnomAD no frequency). This variant has not been reported in the literature in individuals affected with ANKZF1-related conditions. An algorithm developed to predict the effect of missense changes on protein structure and function (PolyPhen-2) suggests that this variant is likely to be tolerated. In summary, the available evidence is currently insufficient to determine the role of this variant in disease. Therefore, it has been classified as a Variant of Uncertain Significance.

NM_018089.3(ANKZF1):c.1094A>T (p.His365Leu)

Gene: ANKZF1 (ankyrin repeat and zinc finger peptidyl tRNA hydrolase 1; plus strand). Cytogenetic location: 2q35.
Variant type: single nucleotide variant.
Coding change: c.1094A>T on transcript NM_018089.3 (MANE Select); coding-DNA position 1094, A replaced by T.
Protein change: p.His365Leu; replaces histidine 365 with leucine.
Molecular consequence: missense variant.
Genome position (GRCh38, 1-based): chr2:219,234,178, A>T. VCF-style: chr2-219234178-A-T. GRCh37 (hg19) VCF-style: chr2-220098900-A-T.
Other names: c.1094A>T, p.His365Leu (NM_001042410.2); c.464A>T, p.His155Leu (NM_001282792.2); short protein forms H155L, H365L.
Identifiers: ClinVar variation 3658832 (VCV003658832.2).
Genomic context (GRCh38, chr2:219,234,178, plus strand): 5'-TTTCTTTTATGGCAGAAGAAGACCCTCGGGAAGCAGTCAGACTGCACTCACCTCAGACAC[A>T]CTGGAAAACAGTAAGAGAGGAGAGAAAGAAGCCTACTGAGGAAGAAATAAGAAAGATCTG-3'
Protein context (NP_060559.2, residues 355-375): EAVRLHSPQT[His365Leu]WKTVREERKK